The following is an entry in ClinVar:

NM_005006.7(NDUFS1):c.551+14C>A

Gene: NDUFS1 (NADH:ubiquinone oxidoreductase core subunit S1; minus strand). Cytogenetic location: 2q33.3.
Variant type: single nucleotide variant.
Coding change: c.551+14C>A on transcript NM_005006.7 (MANE Select); 14 bases into the intron after coding-DNA position 551, C replaced by A.
Molecular consequence: intron variant.
Genome position (GRCh38, 1-based): chr2:206,147,517, G>T on the plus strand (C>A on the coding strand, the complement: NDUFS1 is on the minus strand). VCF-style: chr2-206147517-G-T. GRCh37 (hg19) VCF-style: chr2-207012241-G-T.
Other names: c.218+14C>A (NM_001199982.2); c.380+14C>A (NM_001199983.2); c.443+14C>A (NM_001199981.2); c.593+14C>A (NM_001199984.2).
Identifiers: ClinVar variation 138475 (VCV000138475.13), dbSNP rs10206644, ClinGen allele CA292483.

ClinVar aggregate classification (germline): Benign/Likely benign. Review status: criteria provided, multiple submitters, no conflicts (2 of 4 stars). 4 submissions from 3 submitters: Benign (2); Likely benign (2). Last evaluated 2026-01-28.

Conditions:
Mitochondrial complex I deficiency, nuclear type 1. Also called: NADH-COENZYME Q REDUCTASE DEFICIENCY; MITOCHONDRIAL NADH DEHYDROGENASE COMPONENT OF COMPLEX I, DEFICIENCY OF. Identifiers: MedGen C6022305, MONDO:0100224, OMIM 252010.
Leigh syndrome (NULS). Also called: Leigh Disease; Leigh Syndrome (mtDNA deletion); Subacute necrotizing encephalopathy; Necrotizing encephalopathy infantile subacute of Leigh; Leigh's necrotizing encephalopathy; Leigh's disease. Identifiers: Orphanet 506, MedGen C2931891, MONDO:0009723, OMIM 256000.

Allele frequency attached by ClinVar (database versions not stated): gnomAD exomes 0.00235 and 0.00665; ExAC 0.00928; gnomAD 0.02655 and 0.02838; TOPMed 0.02954; 1000 Genomes Project 0.03075; ESP Exome Variant Server 0.03260; 1000 Genomes Project 30x 0.03342.
gnomAD v4.1: 7,566 of 1,609,894 alleles (0.47%); highest among the groups gnomAD compares: African/African-American, 9.1%; 320 homozygotes.

Submissions (4):

Labcorp Genetics (formerly Invitae), Labcorp
Classification: Benign. Last evaluated: 2026-01-28. Review status: criteria provided, single submitter. Criteria: Invitae Variant Classification Sherloc (09022015). Collection method: clinical testing. Allele origin: germline.

Illumina Laboratory Services, Illumina
Classification: Likely benign for Leigh syndrome. Last evaluated: 2017-04-27. Review status: criteria provided, single submitter. Criteria: ICSL Variant Classification Criteria 13 December 2019. Collection method: clinical testing. Allele origin: germline.
Comment: This variant was observed as part of a predisposition screen in an ostensibly healthy population. A literature search was performed for the gene, cDNA change, and amino acid change (where applicable). No publications were found based on this search. Allele frequency data from public databases allowed determination this variant is unlikely to cause disease. Therefore, this variant is classified as likely benign.

Illumina Laboratory Services, Illumina
Classification: Likely benign for Mitochondrial complex I deficiency, nuclear type 1. Last evaluated: 2017-04-27. Review status: criteria provided, single submitter. Criteria: ICSL Variant Classification Criteria 13 December 2019. Collection method: clinical testing. Allele origin: germline.
Comment: the same text as in the submission from Illumina Laboratory Services, Illumina above.

GeneDx
Classification: Benign. Last evaluated: 2012-04-04. Review status: criteria provided, single submitter. Criteria: GeneDx Variant Classification (06012015). Collection method: clinical testing. Allele origin: germline. Affected: yes.
Comment: This variant is considered likely benign or benign based on one or more of the following criteria: it is a conservative change, it occurs at a poorly conserved position in the protein, it is predicted to be benign by multiple in silico algorithms, and/or has population frequency not consistent with disease.